The following is an entry in ClinVar:

NM_001371279.1(REEP1):c.*1217A>G

Gene: REEP1 (receptor accessory protein 1; minus strand). Cytogenetic location: 2p11.2.
Variant type: single nucleotide variant.
Coding change: c.*1217A>G on transcript NM_001371279.1 (MANE Select); 1217 bases downstream of the stop codon, A replaced by G.
Molecular consequence: 3 prime UTR variant.
Genome position (GRCh38, 1-based): chr2:86,215,822, T>C on the plus strand (A>G on the coding strand, the complement: REEP1 is on the minus strand). VCF-style: chr2-86215822-T-C. GRCh37 (hg19) VCF-style: chr2-86442945-T-C.
Other names: c.*1278A>G (NM_001164730.2, NM_001164731.2, NM_022912.3); c.*1217A>G (NM_001164732.2, NM_001371280.1).
Identifiers: ClinVar variation 337374 (VCV000337374.5), dbSNP rs190070319, ClinGen allele CA10616256.
Genomic context (GRCh38, chr2:86,215,822, plus strand): 5'-AATCCAGGCTTGTATAAAACGTCTGATAAGGCCTGTAGTGCCCATTGAGTATGAGTCTGC[T>C]GTTTACATTCTGCACAGGCCAGGAGGGGAACAGAAGGTGTGAGCCACAGGTGCTCCTGGG-3'

ClinVar aggregate classification (germline): Likely benign (1 of 4 stars; one submission).

Conditions:
Hereditary spastic paraplegia 31. Also called: SPASTIC PARAPLEGIA 31, AUTOSOMAL DOMINANT. Identifiers: Orphanet 101011, MedGen C1853247, MONDO:0012453, OMIM 610250.

Allele frequency attached by ClinVar (database versions not stated): gnomAD 0.00082 and 0.00083; TOPMed 0.00094; 1000 Genomes Project 0.00160; 1000 Genomes Project 30x 0.00187.

Submission:

Illumina Laboratory Services, Illumina
Classification: Likely benign for Hereditary spastic paraplegia 31. Last evaluated: 2018-01-12. Review status: criteria provided, single submitter. Criteria: ICSL Variant Classification Criteria 13 December 2019. Collection method: clinical testing. Allele origin: germline.
Comment: This variant was observed in the ICSL laboratory as part of a predisposition screen in an ostensibly healthy population. It had not been previously curated by ICSL or reported in the Human Gene Mutation Database (HGMD: prior to June 1st, 2018), and was therefore a candidate for classification through an automated scoring system. Utilizing variant allele frequency, disease prevalence and penetrance estimates, and inheritance mode, an automated score was calculated to assess if this variant is too frequent to cause the disease. Based on the score and internal cut-off values, a variant classified as likely benign is not then subjected to further curation. The score for this variant resulted in a classification of likely benign for this disease.